The following is an entry in ClinVar:

ClinVar aggregate classification (germline): Uncertain significance (1 of 4 stars; one submission).

Allele frequency attached by ClinVar (database versions not stated): gnomAD 0.00001; ExAC 0.00002; gnomAD exomes 0.00002; TOPMed 0.00002.
gnomAD v4.1: 25 of 1,613,922 alleles (0.0015%); highest among the groups gnomAD compares: African/African-American, 0.0027%; no homozygotes.

Submission:

Labcorp Genetics (formerly Invitae), Labcorp
Classification: Uncertain significance. Last evaluated: 2024-04-11. Review status: criteria provided, single submitter. Criteria: Invitae Variant Classification Sherloc (09022015). Collection method: clinical testing. Allele origin: germline.
Comment: This sequence change replaces arginine, which is basic and polar, with cysteine, which is neutral and slightly polar, at codon 160 of the ARCN1 protein (p.Arg160Cys). This variant is present in population databases (rs782527886, gnomAD 0.004%). This variant has not been reported in the literature in individuals affected with ARCN1-related conditions. ClinVar contains an entry for this variant (Variation ID: 2188874). An algorithm developed to predict the effect of missense changes on protein structure and function (PolyPhen-2) suggests that this variant is likely to be disruptive. In summary, the available evidence is currently insufficient to determine the role of this variant in disease. Therefore, it has been classified as a Variant of Uncertain Significance.

NM_001655.5(ARCN1):c.478C>T (p.Arg160Cys)

Gene: ARCN1 (archain 1 coat protein complex I subunit delta; plus strand). Cytogenetic location: 11q23.3.
Variant type: single nucleotide variant.
Coding change: c.478C>T on transcript NM_001655.5 (MANE Select); coding-DNA position 478, C replaced by T.
Protein change: p.Arg160Cys; replaces arginine 160 with cysteine.
Molecular consequence: missense variant.
Genome position (GRCh38, 1-based): chr11:118,583,839, C>T. VCF-style: chr11-118583839-C-T. GRCh37 (hg19) VCF-style: chr11-118454554-C-T.
Other names: c.214C>T, p.Arg72Cys (NM_001142281.2); short protein forms R72C, R160C.
Identifiers: ClinVar variation 2188874 (VCV002188874.4), dbSNP rs782527886, ClinGen allele CA6306081.